The following is an entry in ClinVar:

NM_017950.4(CCDC40):c.2800C>T (p.Arg934Trp)

Gene: CCDC40 (coiled-coil domain 40 molecular ruler complex subunit; plus strand). Cytogenetic location: 17q25.3.
Variant type: single nucleotide variant.
Coding change: c.2800C>T on transcript NM_017950.4 (MANE Select); coding-DNA position 2800, C replaced by T.
Protein change: p.Arg934Trp; replaces arginine 934 with tryptophan.
Molecular consequence: missense variant.
Genome position (GRCh38, 1-based): chr17:80,089,852, C>T. VCF-style: chr17-80089852-C-T. GRCh37 (hg19) VCF-style: chr17-78063651-C-T.
Other names: c.2800C>T, p.Arg934Trp (NM_001243342.2); short protein forms R934W.
Identifiers: ClinVar variation 1402974 (VCV001402974.8), dbSNP rs775749296, ClinGen allele CA8814348.

ClinVar aggregate classification (germline): Uncertain significance (1 of 4 stars; one submission).

Conditions:
Primary ciliary dyskinesia. Also called: Ciliary dyskinesia. Identifiers: Orphanet 244, MedGen C0008780, MONDO:0016575, HP:0012265.

Allele frequency attached by ClinVar (database versions not stated): ExAC 0.00001; gnomAD 0.00003; TOPMed 0.00003.
gnomAD v4.1: 30 of 1,614,120 alleles (0.0019%); highest among the groups gnomAD compares: East Asian, 0.0089%; no homozygotes.

Submission:

Labcorp Genetics (formerly Invitae), Labcorp
Classification: Uncertain significance for Primary ciliary dyskinesia. Last evaluated: 2021-06-25. Review status: criteria provided, single submitter. Criteria: Invitae Variant Classification Sherloc (09022015). Collection method: clinical testing. Allele origin: germline.
Comment: In summary, the available evidence is currently insufficient to determine the role of this variant in disease. Therefore, it has been classified as a Variant of Uncertain Significance. Algorithms developed to predict the effect of missense changes on protein structure and function are either unavailable or do not agree on the potential impact of this missense change (SIFT: "Deleterious"; PolyPhen-2: "Possibly Damaging"; Align-GVGD: "Class C0"). This variant has not been reported in the literature in individuals with CCDC40-related conditions. The frequency data for this variant in the population databases is considered unreliable, as metrics indicate poor data quality at this position in the ExAC database. This sequence change replaces arginine with tryptophan at codon 934 of the CCDC40 protein (p.Arg934Trp). The arginine residue is moderately conserved and there is a moderate physicochemical difference between arginine and tryptophan.